The following is an entry in ClinVar:

NM_004453.4(ETFDH):c.1037A>G (p.His346Arg)

Gene: ETFDH (electron transfer flavoprotein dehydrogenase; plus strand). Cytogenetic location: 4q32.1.
Variant type: single nucleotide variant.
Coding change: c.1037A>G on transcript NM_004453.4 (MANE Select); coding-DNA position 1037, A replaced by G.
Protein change: p.His346Arg; replaces histidine 346 with arginine.
Molecular consequence: missense variant.
Genome position (GRCh38, 1-based): chr4:158,699,051, A>G. VCF-style: chr4-158699051-A-G. GRCh37 (hg19) VCF-style: chr4-159620203-A-G.
Other names: c.896A>G, p.His299Arg (NM_001281737.2); c.854A>G, p.His285Arg (NM_001281738.1); short protein forms H299R, H346R, H285R.
Identifiers: ClinVar variation 2203584 (VCV002203584.4), dbSNP rs1358691961, ClinGen allele CA358562135.

ClinVar aggregate classification (germline): Uncertain significance (1 of 4 stars; one submission).

Conditions:
Multiple acyl-CoA dehydrogenase deficiency (MADD). Also called: ETHYLMALONIC-ADIPICACIDURIA; GA II; Glutaric aciduria, type 2; Glutaric acidemia type II; GA 2; Glutaric Acidemia type 2. Identifiers: Orphanet 26791, MedGen C0268596, MONDO:0009282, OMIM 231680.

Allele frequency attached by ClinVar (database versions not stated): gnomAD exomes below 0.00001.
gnomAD v4.1: 2 of 1,613,218 alleles (0.00012%); highest among the groups gnomAD compares: Non-Finnish European, 0.000085%; no homozygotes.

Submission:

Labcorp Genetics (formerly Invitae), Labcorp
Classification: Uncertain significance for Multiple acyl-CoA dehydrogenase deficiency. Last evaluated: 2022-04-27. Review status: criteria provided, single submitter. Criteria: Invitae Variant Classification Sherloc (09022015). Collection method: clinical testing. Allele origin: germline.
Comment: This sequence change replaces histidine, which is basic and polar, with arginine, which is basic and polar, at codon 346 of the ETFDH protein (p.His346Arg). This variant is present in population databases (no rsID available, gnomAD 0.004%). This missense change has been observed in individual(s) with glutaric aciduria type 2 (PMID: 12359134). Advanced modeling of protein sequence and biophysical properties (such as structural, functional, and spatial information, amino acid conservation, physicochemical variation, residue mobility, and thermodynamic stability) performed at Invitae indicates that this missense variant is expected to disrupt ETFDH protein function. Studies have shown that this missense change alters ETFDH gene expression (PMID: 12359134). In summary, the available evidence is currently insufficient to determine the role of this variant in disease. Therefore, it has been classified as a Variant of Uncertain Significance.

Literature cited by the submitters: PubMed 12359134.